The following is an entry in ClinVar:

ClinVar aggregate classification (germline): Conflicting classifications of pathogenicity. Review status: criteria provided, conflicting classifications (1 of 4 stars). 6 submissions from 6 submitters: Uncertain significance (1); Benign (1); Likely benign (4). Last evaluated 2026-01-18.

Conditions:
History of neurodevelopmental disorder. Identifiers: MedGen C2711754.

Allele frequency attached by ClinVar (database versions not stated): gnomAD 0.00078 and 0.00081; 1000 Genomes Project 30x 0.00083; TOPMed 0.00083; 1000 Genomes Project 0.00106; ESP Exome Variant Server 0.00114; gnomAD exomes 0.00015 and 0.00035; ExAC 0.00040.
gnomAD v4.1: 258 of 1,209,394 alleles (0.021%); highest among the groups gnomAD compares: African/African-American, 0.23%; no homozygotes.

Submissions (6):

Labcorp Genetics (formerly Invitae), Labcorp
Classification: Likely benign. Last evaluated: 2026-01-18. Review status: criteria provided, single submitter. Criteria: Invitae Variant Classification Sherloc (09022015). Collection method: clinical testing. Allele origin: germline.

Blueprint Genetics
Classification: Likely benign. Last evaluated: 2023-12-29. Review status: criteria provided, single submitter. Criteria: ACMG Guidelines, 2015. Collection method: clinical testing. Allele origin: germline.

GeneDx
Classification: Benign. Last evaluated: 2020-02-28. Review status: criteria provided, single submitter. Criteria: GeneDx Variant Classification Process June 2021. Collection method: clinical testing. Allele origin: germline. Affected: yes.

Center for Pediatric Genomic Medicine, Children's Mercy Hospital and Clinics
Classification: Likely benign. Last evaluated: 2017-08-24. Review status: criteria provided, single submitter. Criteria: ACMG Guidelines, 2015. Collection method: clinical testing. Allele origin: germline.

Eurofins Ntd Llc (ga)
Classification: Likely benign. Last evaluated: 2015-06-23. Review status: criteria provided, single submitter. Criteria: EGL Classification Definitions 2015. Collection method: clinical testing. Allele origin: germline. Observed: 1 variant allele, 1 hemizygote.

Ambry Genetics
Classification: Uncertain significance for History of neurodevelopmental disorder. Last evaluated: 2013-01-08. Review status: criteria provided, single submitter. Criteria: Ambry Autosomal Dominant and X-Linked criteria (10/2015). Collection method: clinical testing. Allele origin: germline. Observed: 1 variant allele.
Comment: There is insufficient or conflicting evidence for classification of this alteration.

NM_007325.5(GRIA3):c.397G>A (p.Ala133Thr)

Gene: GRIA3 (glutamate ionotropic receptor AMPA type subunit 3; plus strand). Cytogenetic location: Xq25.
Variant type: single nucleotide variant.
Coding change: c.397G>A on transcript NM_007325.5 (MANE Select); coding-DNA position 397, G replaced by A.
Protein change: p.Ala133Thr; replaces alanine 133 with threonine.
Molecular consequence: missense variant.
Genome position (GRCh38, 1-based): chrX:123,253,431, G>A. VCF-style: chrX-123253431-G-A. GRCh37 (hg19) VCF-style: chrX-122387282-G-A.
Other names: c.397G>A, p.Ala133Thr (NM_000828.5); short protein forms A133T.
Identifiers: ClinVar variation 281521 (VCV000281521.17), dbSNP rs151086692, ClinGen allele CA10506891.
Genomic context (GRCh38, chrX:123,253,431, plus strand): 5'-CTGACCTCCTTCTGTGGGGCCCTGCACACATCCTTTGTTACGCCTAGCTTCCCCACTGAC[G>A]CAGATGTGCAGTTTGTCATCCAGATGCGCCCAGCCTTGAAGGGCGCTATTCTGAGTCTTC-3'
Protein context (NP_015564.5, residues 123-143): SFVTPSFPTD[Ala133Thr]DVQFVIQMRP